The following is an entry in ClinVar:

ClinVar aggregate classification (germline): Uncertain significance (1 of 4 stars; one submission).

Conditions:
Hereditary cancer-predisposing syndrome. Also called: Neoplastic Syndromes, Hereditary; Tumor predisposition; Hereditary Cancer Syndrome; Hereditary neoplastic syndrome. Identifiers: Orphanet 140162, MedGen C0027672, MeSH D009386, MONDO:0015356.

Submission:

Ambry Genetics
Classification: Uncertain significance for Hereditary cancer-predisposing syndrome. Last evaluated: 2025-06-24. Review status: criteria provided, single submitter. Criteria: Ambry Variant Classification Scheme 2023. Collection method: clinical testing. Allele origin: germline.
Comment: The p.E1107A variant (also known as c.3320A>C), located in coding exon 28 of the TSC2 gene, results from an A to C substitution at nucleotide position 3320. The glutamic acid at codon 1107 is replaced by alanine, an amino acid with dissimilar properties. This amino acid position is conserved. In addition, this alteration is predicted to be deleterious by in silico analysis. Based on the available evidence, the clinical significance of this variant remains unclear.

NM_000548.5(TSC2):c.3320A>C (p.Glu1107Ala)

Gene: TSC2 (TSC complex subunit 2; plus strand). Cytogenetic location: 16p13.3.
Variant type: single nucleotide variant.
Coding change: c.3320A>C on transcript NM_000548.5 (MANE Select); coding-DNA position 3320, A replaced by C.
Protein change: p.Glu1107Ala; replaces glutamic acid 1107 with alanine.
Molecular consequence: missense variant. On other transcripts: non-coding transcript variant (5).
Genome position (GRCh38, 1-based): chr16:2,079,592, A>C. VCF-style: chr16-2079592-A-C. GRCh37 (hg19) VCF-style: chr16-2129593-A-C.
Other names: c.3188A>C, p.Glu1063Ala (NM_001077183.3, NM_001370404.1, NM_001406665.1); c.3320A>C, p.Glu1107Ala (NM_001114382.3); c.3080A>C, p.Glu1027Ala (NM_001318827.2); c.3044A>C, p.Glu1015Ala (NM_001318829.2); c.2588A>C, p.Glu863Ala (NM_001318831.2, NM_001406687.1, NM_001406688.1); c.3221A>C, p.Glu1074Ala (NM_001318832.2); c.3191A>C, p.Glu1064Ala (NM_001363528.2, NM_001370405.1, NM_021055.3); c.3317A>C, p.Glu1106Ala (NM_001406663.1, NM_001406664.1); and 18 more; short protein forms E1015A, E1026A, E1058A, E1074A, E1106A, E529A, E615A, E1044A.
Identifiers: ClinVar variation 4192143 (VCV004192143.1).